The following is an entry in ClinVar:

ClinVar aggregate classification (germline): Pathogenic (1 of 4 stars; one submission).

Conditions:
Sandhoff disease. Also called: Beta-hexosaminidase-beta-subunit deficiency; GM2 gangliosidosis, type 2; Total hexosaminidase deficiency; Sandhoff-Jatzkewitz-Pilz disease; GM2-GANGLIOSIDOSIS, TYPE II; HEXOSAMINIDASES A AND B DEFICIENCY. Identifiers: Orphanet 796, MedGen C0036161, MONDO:0010006, OMIM 268800.

Allele frequency attached by ClinVar (database versions not stated): gnomAD exomes below 0.00001.
gnomAD v4.1: 2 of 1,606,496 alleles (0.00012%); highest among the groups gnomAD compares: Non-Finnish European, 0.00017%; no homozygotes.

Submission:

Labcorp Genetics (formerly Invitae), Labcorp
Classification: Pathogenic for Sandhoff disease. Last evaluated: 2020-05-20. Review status: criteria provided, single submitter. Criteria: Invitae Variant Classification Sherloc (09022015). Collection method: clinical testing. Allele origin: germline.
Comment: This sequence change creates a premature translational stop signal (p.Lys382*) in the HEXB gene. It is expected to result in an absent or disrupted protein product. For these reasons, this variant has been classified as Pathogenic. Loss-of-function variants in HEXB are known to be pathogenic (PMID: 7550345, 18758829). Algorithms developed to predict the effect of sequence changes on RNA splicing suggest that this variant may create or strengthen a splice site, but this prediction has not been confirmed by published transcriptional studies. This variant has not been reported in the literature in individuals with HEXB-related conditions. This variant is not present in population databases (ExAC no frequency).

Literature cited by the submitters: PubMed 7550345; PubMed 18758829.

NM_000521.4(HEXB):c.1144A>T (p.Lys382Ter)

Gene: HEXB (hexosaminidase subunit beta; plus strand). Cytogenetic location: 5q13.3.
Variant type: single nucleotide variant.
Coding change: c.1144A>T on transcript NM_000521.4 (MANE Select); coding-DNA position 1144, A replaced by T.
Protein change: p.Lys382Ter; replaces lysine 382 with a stop codon.
Molecular consequence: nonsense.
Genome position (GRCh38, 1-based): chr5:74,716,648, A>T. VCF-style: chr5-74716648-A-T. GRCh37 (hg19) VCF-style: chr5-74012473-A-T.
Other names: c.469A>T, p.Lys157Ter (NM_001292004.2); short protein forms K157*, K382*.
Identifiers: ClinVar variation 1069640 (VCV001069640.7), dbSNP rs1306678448, ClinGen allele CA360069282.